The following is an entry in ClinVar:

ClinVar aggregate classification (germline): Likely pathogenic (1 of 4 stars; one submission).

Conditions:
Abnormal brain morphology. Also called: Abnormality of brain morphology. Identifiers: MedGen C4021085, HP:0012443.
Short stature. Identifiers: MedGen C0349588, HP:0004322.
Microcephaly. Also called: Microcephaly (disease). Identifiers: MedGen C4551563, MONDO:0001149, HP:0000252.

Allele frequency attached by ClinVar (database versions not stated): gnomAD 0.00001.
gnomAD v4.1: 1 of 1,614,094 alleles (0.000062%); highest among the groups gnomAD compares: East Asian, 0.0022%; no homozygotes.

Submission:

Institute of Human Genetics, University of Goettingen
Classification: Likely pathogenic for Abnormal brain morphology; Microcephaly; Short stature. Last evaluated: 2019-06-18. Review status: criteria provided, single submitter. Criteria: ACMG Guidelines, 2015. Collection method: clinical testing. Allele origin: de novo. Inheritance: Autosomal dominant inheritance. Affected: yes. Observed: 1 heterozygote.
Comment: De novo mutation occurring in trio, exome sequencing without any hint for presence in gnomAD; mutation affects highly conserved amino acid in the protein domain of ACTB, all prediction program classified variant to damaging for protein function.

NM_001101.5(ACTB):c.179G>A (p.Ser60Asn)

Gene: ACTB (actin beta; minus strand). Cytogenetic location: 7p22.1.
Variant type: single nucleotide variant.
Coding change: c.179G>A on transcript NM_001101.5 (MANE Select); coding-DNA position 179, G replaced by A.
Protein change: p.Ser60Asn; replaces serine 60 with asparagine.
Molecular consequence: missense variant.
Genome position (GRCh38, 1-based): chr7:5,529,345, C>T on the plus strand (G>A on the coding strand, the complement: ACTB is on the minus strand). VCF-style: chr7-5529345-C-T. GRCh37 (hg19) VCF-style: chr7-5568976-C-T.
Other names: c.179G>A (LRG_132t1); short protein forms S60N.
Identifiers: ClinVar variation 638167 (VCV000638167.2), dbSNP rs755437923, ClinGen allele CA366706118.
Genomic context (GRCh38, chr7:5,529,345, plus strand): 5'-TCCCAGTTGGTGACGATGCCGTGCTCGATGGGGTACTTCAGGGTGAGGATGCCTCTCTTG[C>T]TCTGGGCCTCGTCGCCCACATAGGAATCCTTCTGACCCATGCCCACCATCACGCCCTGGG-3'
Protein context (NP_001092.1, residues 50-70): KDSYVGDEAQ[Ser60Asn]KRGILTLKYP